The following is an entry in ClinVar:

ClinVar aggregate classification (germline): Pathogenic (1 of 4 stars; one submission).

Allele frequency attached by ClinVar (database versions not stated): gnomAD exomes 0.00001.
gnomAD v4.1: 12 of 1,609,864 alleles (0.00075%); highest among the groups gnomAD compares: South Asian, 0.0033%; no homozygotes.

Submission:

GeneDx
Classification: Pathogenic. Last evaluated: 2018-01-12. Review status: criteria provided, single submitter. Criteria: GeneDx Variant Classification (06012015). Collection method: clinical testing. Allele origin: germline. Affected: yes.
Comment: The c.629+1G>A variant in the MRPL3 gene has not been reported previously as a pathogenic variant nor as a benign variant, to our knowledge. This splice site variant destroys the canonical splice donor site in intron 6. It is predicted to cause abnormal gene splicing, either leading to an abnormal message that is subject to nonsense-mediated mRNA decay, or to an abnormal protein product if the message is used for protein translation. The c.629+1G>A variant is not observed at a significant frequency in large population cohorts (Lek et al., 2016). We interpret c.629+1G>A as a pathogenic variant.

NM_007208.4(MRPL3):c.629+1G>A

Gene: MRPL3 (mitochondrial ribosomal protein L3; minus strand). Cytogenetic location: 3q22.1.
Variant type: single nucleotide variant.
Coding change: c.629+1G>A on transcript NM_007208.4 (MANE Select); the canonical splice donor site of the intron after coding-DNA position 629, G replaced by A.
Molecular consequence: splice donor variant.
Genome position (GRCh38, 1-based): chr3:131,487,679, C>T on the plus strand (G>A on the coding strand, the complement: MRPL3 is on the minus strand). VCF-style: chr3-131487679-C-T. GRCh37 (hg19) VCF-style: chr3-131206523-C-T.
Identifiers: ClinVar variation 489330 (VCV000489330.2), dbSNP rs780595770, ClinGen allele CA354547835.